The following is an entry in ClinVar:

ClinVar aggregate classification (germline): Uncertain significance (1 of 4 stars; one submission).

Conditions:
Autosomal recessive nonsyndromic hearing loss 124. Also called: DEAFNESS, AUTOSOMAL RECESSIVE 124. Identifiers: MedGen C5935612, MONDO:0968981, OMIM 620794.

Submission:

3billion
Classification: Uncertain significance for Autosomal recessive nonsyndromic hearing loss 124. Last evaluated: 2024-12-06. Review status: criteria provided, single submitter. Criteria: ACMG Guidelines, 2015. Collection method: clinical testing. Allele origin: germline. Affected: yes.
Comment: The variant is not observed in the gnomAD v4.1.0 dataset. Predicted Consequence/Location: Missense variant In silico tool predictions suggest damaging effect of the variant on gene or gene product [3Cnet: 0.97 (>=0.6, sensitivity 0.72 and precision 0.9)]. Therefore, this variant is classified as VUS according to the recommendation of ACMG/AMP guideline.

NM_177531.6(PKHD1L1):c.7283T>A (p.Phe2428Tyr)

Gene: PKHD1L1 (PKHD1 like 1; plus strand). Cytogenetic location: 8q23.1.
Variant type: single nucleotide variant.
Coding change: c.7283T>A on transcript NM_177531.6 (MANE Select); coding-DNA position 7283, T replaced by A.
Protein change: p.Phe2428Tyr; replaces phenylalanine 2428 with tyrosine.
Molecular consequence: missense variant.
Genome position (GRCh38, 1-based): chr8:109,461,808, T>A. VCF-style: chr8-109461808-T-A. GRCh37 (hg19) VCF-style: chr8-110474037-T-A.
Other names: short protein forms F2428Y.
Identifiers: ClinVar variation 4293026 (VCV004293026.1).